The following is an entry in ClinVar:

ClinVar aggregate classification (germline): Benign (1 of 4 stars; one submission).

Allele frequency attached by ClinVar (database versions not stated): 1000 Genomes Project 0.09245; 1000 Genomes Project 30x 0.09322; TOPMed 0.14807; gnomAD 0.15423 and 0.15850.
gnomAD v4.1: 23,611 of 151,872 alleles (16%); highest among the groups gnomAD compares: Middle Eastern, 24%; 2,144 homozygotes.

Submission:

GeneDx
Classification: Benign. Last evaluated: 2018-06-18. Review status: criteria provided, single submitter. Criteria: GeneDx Variant Classification (06012015). Collection method: clinical testing. Allele origin: germline. Affected: yes.
Comment: This variant is considered likely benign or benign based on one or more of the following criteria: it is a conservative change, it occurs at a poorly conserved position in the protein, it is predicted to be benign by multiple in silico algorithms, and/or has population frequency not consistent with disease.

NM_000337.6(SGCD):c.3+248C>T

Gene: SGCD (sarcoglycan delta; plus strand). Cytogenetic location: 5q33.3.
Variant type: single nucleotide variant.
Coding change: c.3+248C>T on transcript NM_000337.6 (MANE Select); 248 bases into the intron after coding-DNA position 3, C replaced by T.
Molecular consequence: intron variant.
Genome position (GRCh38, 1-based): chr5:156,329,827, C>T. VCF-style: chr5-156329827-C-T. GRCh37 (hg19) VCF-style: chr5-155756837-C-T.
Other names: c.-1+2595C>T (NM_001128209.2); c.3+248C>T (NM_172244.3).
Identifiers: ClinVar variation 673703 (VCV000673703.1), dbSNP rs10447212, ClinGen allele CA12161359.